The following is an entry in ClinVar:

NM_024921.4(POF1B):c.957+2T>A

Gene: POF1B (POF1B actin binding protein; minus strand). Cytogenetic location: Xq21.1.
Variant type: single nucleotide variant.
Coding change: c.957+2T>A on transcript NM_024921.4 (MANE Select); the canonical splice donor site of the intron after coding-DNA position 957, T replaced by A.
Molecular consequence: splice donor variant.
Genome position (GRCh38, 1-based): chrX:85,314,430, A>T on the plus strand (T>A on the coding strand, the complement: POF1B is on the minus strand). VCF-style: chrX-85314430-A-T. GRCh37 (hg19) VCF-style: chrX-84569436-A-T.
Other names: c.957+2T>A (NM_001307940.2).
Identifiers: ClinVar variation 4293054 (VCV004293054.1).

ClinVar aggregate classification (germline): Uncertain significance (1 of 4 stars; one submission).

Conditions:
Premature ovarian failure 2B. Identifiers: MedGen C1845105, MONDO:0010373, OMIM 300604.

Submission:

3billion
Classification: Uncertain significance for Premature ovarian failure 2B. Last evaluated: 2025-01-22. Review status: criteria provided, single submitter. Criteria: ACMG Guidelines, 2015. Collection method: clinical testing. Allele origin: germline. Affected: yes.
Comment: The variant is not observed in the gnomAD v4.1.0 dataset. Predicted Consequence/Location: Canonical splice site variant Therefore, this variant is classified as VUS according to the recommendation of ACMG/AMP guideline.